The following is an entry in ClinVar:

NM_007294.4(BRCA1):c.41T>C (p.Val14Ala)

Gene: BRCA1 (BRCA1 DNA repair associated; minus strand). Cytogenetic location: 17q21.31.
Variant type: single nucleotide variant.
Coding change: c.41T>C on transcript NM_007294.4 (MANE Select); coding-DNA position 41, T replaced by C.
Protein change: p.Val14Ala; replaces valine 14 with alanine.
Molecular consequence: missense variant. On other transcripts: 5 prime UTR variant (1), non-coding transcript variant (1).
Genome position (GRCh38, 1-based): chr17:43,124,056, A>G on the plus strand (T>C on the coding strand, the complement: BRCA1 is on the minus strand). VCF-style: chr17-43124056-A-G. GRCh37 (hg19) VCF-style: chr17-41276073-A-G.
Other names: c.41T>C, p.Val14Ala (NM_001407593.1, NM_001407594.1, NM_001407596.1 and 193 more transcripts); c.-217T>C (NM_001407694.1, NM_001407724.1, NM_001407727.1 and 11 more transcripts); c.-221T>C (NM_001407695.1, NM_001408465.1); c.-362T>C (NM_001407696.1); c.-246T>C (NM_001407697.1, NM_001407846.1, NM_001407920.1); c.-47T>C (NM_001407698.1, NM_001407732.1, NM_001407736.1 and 23 more transcripts); c.-220T>C (NM_001407725.1, NM_001407730.1, NM_001407734.1 and 22 more transcripts); c.-166T>C (NM_001407726.1, NM_001407751.1); and 8 more; short protein forms V14A.
Identifiers: ClinVar variation 865032 (VCV000865032.6), dbSNP rs2055732014, ClinGen allele CA10602076.
Genomic context (GRCh38, chr17:43,124,056, plus strand): 5'-TACACTCTTGTGCTGACTTACCAGATGGGACACTCTAAGATTTTCTGCATAGCATTAATG[A>G]CATTTTGTACTTCTTCAACGCGAAGAGCAGATAAATCCATTTCTTTCTGTTCCAATGAAC-3'
Protein context (NP_009225.1, residues 4-24): SALRVEEVQN[Val14Ala]INAMQKILEC

ClinVar aggregate classification (germline): Uncertain significance. Review status: no assertion criteria provided (0 of 4 stars). 2 submissions from 2 submitters: Uncertain significance (2).

Submissions (3):

Brotman Baty Institute, University of Washington
No classification provided (evidence only). Condition: Breast-ovarian cancer, familial 1. Review status: no classification provided. Collection method: in vitro. Allele origin: not applicable. Functional consequence: functionally_normal. Not counted in ClinVar's aggregate classification.
ClinVar note: "not provided" was previously submitted as the classification for the variant. However, the classification appeared to be based only on an observation of functional data so it was converted to no classification on 2025-07-30.

Clinical Genetics Laboratory, Department of Pathology, Netherlands Cancer Institute
Classification: Uncertain significance. Review status: no assertion criteria provided. Collection method: clinical testing. Allele origin: germline. Affected: yes. Study: VKGL Data-share Consensus.

Joint Genome Diagnostic Labs from Nijmegen and Maastricht, Radboudumc and MUMC+
Classification: Uncertain significance. Review status: no assertion criteria provided. Collection method: clinical testing. Allele origin: germline. Affected: yes. Study: VKGL Data-share Consensus.